The following is an entry in ClinVar:

NM_138927.4(SON):c.1558A>G (p.Thr520Ala)

Gene: SON (SON DNA and RNA binding protein; plus strand). Cytogenetic location: 21q22.11.
Variant type: single nucleotide variant.
Coding change: c.1558A>G on transcript NM_138927.4 (MANE Select); coding-DNA position 1558, A replaced by G.
Protein change: p.Thr520Ala; replaces threonine 520 with alanine.
Molecular consequence: missense variant. On other transcripts: non-coding transcript variant (1), intron variant (1).
Genome position (GRCh38, 1-based): chr21:33,550,789, A>G. VCF-style: chr21-33550789-A-G. GRCh37 (hg19) VCF-style: chr21-34923095-A-G.
Other names: c.1558A>G, p.Thr520Ala (NM_001291411.2, NM_001412133.1, NM_032195.3 and 2 more transcripts); c.244+4410A>G (NM_001291412.3); short protein forms T520A.
Identifiers: ClinVar variation 1897853 (VCV001897853.5), dbSNP rs1487385301, ClinGen allele CA410154392.

ClinVar aggregate classification (germline): Uncertain significance (1 of 4 stars; one submission).

Allele frequency attached by ClinVar (database versions not stated): TOPMed below 0.00001; gnomAD 0.00001.
gnomAD v4.1: 1 of 1,614,044 alleles (0.000062%); highest among the groups gnomAD compares: African/African-American, 0.0013%; no homozygotes.

Submission:

Labcorp Genetics (formerly Invitae), Labcorp
Classification: Uncertain significance. Last evaluated: 2022-02-19. Review status: criteria provided, single submitter. Criteria: Invitae Variant Classification Sherloc (09022015). Collection method: clinical testing. Allele origin: germline.
Comment: In summary, the available evidence is currently insufficient to determine the role of this variant in disease. Therefore, it has been classified as a Variant of Uncertain Significance. Algorithms developed to predict the effect of missense changes on protein structure and function are either unavailable or do not agree on the potential impact of this missense change (SIFT: "Deleterious"; PolyPhen-2: "Probably Damaging"; Align-GVGD: "Class C0"). This variant has not been reported in the literature in individuals affected with SON-related conditions. This variant is present in population databases (no rsID available, gnomAD 0.01%). This sequence change replaces threonine, which is neutral and polar, with alanine, which is neutral and non-polar, at codon 520 of the SON protein (p.Thr520Ala).